The following is an entry in ClinVar:

ClinVar aggregate classification (germline): Uncertain significance. Review status: criteria provided, multiple submitters, no conflicts (2 of 4 stars). 3 submissions from 3 submitters: Uncertain significance (3). Last evaluated 2025-08-14.

Conditions:
Malignant hyperthermia, susceptibility to, 5 (MHS5). Also called: CACNA1S-Related Malignant Hyperthermia Susceptibility. Identifiers: Orphanet 423, MedGen C1866077, MONDO:0011163, OMIM 601887.
Hypokalemic periodic paralysis, type 1. Also called: Hypokalemic Periodic Paralysis Type 1 (AD); HypoPP. Identifiers: Orphanet 681, MedGen C3714580, MONDO:0042979, OMIM 170400.

Allele frequency attached by ClinVar (database versions not stated): ExAC 0.00001; gnomAD exomes 0.00002.
gnomAD v4.1: 28 of 1,614,072 alleles (0.0017%); highest among the groups gnomAD compares: Non-Finnish European, 0.0023%; no homozygotes.

Submissions (3):

Labcorp Genetics (formerly Invitae), Labcorp
Classification: Uncertain significance for Hypokalemic periodic paralysis, type 1; Malignant hyperthermia, susceptibility to, 5. Last evaluated: 2025-08-14. Review status: criteria provided, single submitter. Criteria: Invitae Variant Classification Sherloc (09022015). Collection method: clinical testing. Allele origin: germline.
Comment: This sequence change replaces leucine, which is neutral and non-polar, with proline, which is neutral and non-polar, at codon 575 of the CACNA1S protein (p.Leu575Pro). This variant is present in population databases (rs748234763, gnomAD 0.0009%). This missense change has been observed in individual(s) with autosomal recessive CACNA1S-related conditions (PMID: 37510268). ClinVar contains an entry for this variant (Variation ID: 2158765). Invitae Evidence Modeling of protein sequence and biophysical properties (such as structural, functional, and spatial information, amino acid conservation, physicochemical variation, residue mobility, and thermodynamic stability) has been performed for this missense variant. However, the output from this modeling did not meet the statistical confidence thresholds required to predict the impact of this variant on CACNA1S protein function. In summary, the available evidence is currently insufficient to determine the role of this variant in disease. Therefore, it has been classified as a Variant of Uncertain Significance.

All of Us Research Program, National Institutes of Health
Classification: Uncertain significance for Malignant hyperthermia, susceptibility to, 5. Last evaluated: 2024-08-06. Review status: criteria provided, single submitter. Criteria: ACMG Guidelines, 2015. Collection method: clinical testing. Allele origin: germline. Inheritance: Autosomal dominant inheritance. Observed: 3 variant alleles, 3 heterozygotes.
Comment: This missense variant replaces leucine with proline at codon 575 of the CACNA1S protein. Computational prediction suggests that this variant may have deleterious impact on protein structure and function (internally defined REVEL score threshold >= 0.7, PMID: 27666373). To our knowledge, functional studies have not been reported for this variant. This variant has not been reported in individuals affected with CACNA1S-related disorders in the literature. This variant has been identified in 1/251494 chromosomes in the general population by the Genome Aggregation Database (gnomAD). The available evidence is insufficient to determine the role of this variant in disease conclusively. Therefore, this variant is classified as a Variant of Uncertain Significance.

This study involves interpretation of variants in research participants for the purpose of population health screening. Participant phenotype was not available at the time of variant classification. Additional details can be found in publication PMID: 35346344, PMCID: PMC8962531

Color Diagnostics, LLC DBA Color Health
Classification: Uncertain significance for Malignant hyperthermia, susceptibility to, 5. Last evaluated: 2024-03-13. Review status: criteria provided, single submitter. Criteria: ACMG Guidelines, 2015. Collection method: clinical testing. Allele origin: germline.
Comment: This missense variant replaces leucine with proline at codon 575 of the CACNA1S protein. Computational prediction suggests that this variant may have deleterious impact on protein structure and function. To our knowledge, functional studies have not been reported for this variant. This variant has been reported in an individual affected with congenital myopathy (PMID: 37510268). This variant has been identified in 1/251494 chromosomes in the general population by the Genome Aggregation Database (gnomAD). The available evidence is insufficient to determine the role of this variant in disease conclusively. Therefore, this variant is classified as a Variant of Uncertain Significance.

Literature cited by the submitters: PubMed 37510268 (cited by Labcorp Genetics (formerly Invitae), Labcorp and Color Diagnostics, LLC DBA Color Health).

NM_000069.3(CACNA1S):c.1724T>C (p.Leu575Pro)

Gene: CACNA1S (calcium voltage-gated channel subunit alpha1 S; minus strand). Cytogenetic location: 1q32.1.
Variant type: single nucleotide variant.
Coding change: c.1724T>C on transcript NM_000069.3 (MANE Select); coding-DNA position 1724, T replaced by C.
Protein change: p.Leu575Pro; replaces leucine 575 with proline.
Molecular consequence: missense variant.
Genome position (GRCh38, 1-based): chr1:201,077,023, A>G on the plus strand (T>C on the coding strand, the complement: CACNA1S is on the minus strand). VCF-style: chr1-201077023-A-G. GRCh37 (hg19) VCF-style: chr1-201046151-A-G.
Other names: short protein forms L575P.
Identifiers: ClinVar variation 2158765 (VCV002158765.6), dbSNP rs748234763, ClinGen allele CA078534.